The following is an entry in ClinVar:

NM_000540.3(RYR1):c.5540C>A (p.Thr1847Asn)

Gene: RYR1 (ryanodine receptor 1; plus strand). Cytogenetic location: 19q13.2.
Variant type: single nucleotide variant.
Coding change: c.5540C>A on transcript NM_000540.3 (MANE Select); coding-DNA position 5540, C replaced by A.
Protein change: p.Thr1847Asn; replaces threonine 1847 with asparagine.
Molecular consequence: missense variant.
Genome position (GRCh38, 1-based): chr19:38,486,195, C>A. VCF-style: chr19-38486195-C-A. GRCh37 (hg19) VCF-style: chr19-38976835-C-A.
Other names: c.5540C>A, p.Thr1847Asn (NM_001042723.2); short protein forms T1847N.
Identifiers: ClinVar variation 1303814 (VCV001303814.6), dbSNP rs1456354042, ClinGen allele CA405656087.

ClinVar aggregate classification (germline): Uncertain significance. Review status: criteria provided, multiple submitters, no conflicts (2 of 4 stars). 4 submissions from 4 submitters: Uncertain significance (4). Last evaluated 2025-08-30.

Conditions:
RYR1-related disorder. Also called: RYR1-related disorders; RYR1-related condition. Identifiers: MedGen CN239331.
Malignant hyperthermia, susceptibility to, 1 (MHS1). Also called: RYR1-Related Malignant Hyperthermia Susceptibility; Anesthesia related hyperthermia; Malignant hyperpyrexia; Fulminating hyperpyrexia; Pharmacogenic myopathy; Malignant hyperthermia suceptibility 1. Identifiers: Orphanet 423, MedGen C2930980, MONDO:0007783, OMIM 145600.

Allele frequency attached by ClinVar (database versions not stated): gnomAD exomes below 0.00001; TOPMed 0.00001.
gnomAD v4.1: 5 of 1,612,932 alleles (0.00031%); highest among the groups gnomAD compares: Admixed American, 0.0017%; no homozygotes.

Submissions (4):

Color Diagnostics, LLC DBA Color Health
Classification: Uncertain significance for Malignant hyperthermia, susceptibility to, 1. Last evaluated: 2025-08-30. Review status: criteria provided, single submitter. Criteria: ACMG Guidelines, 2015. Collection method: clinical testing. Allele origin: germline.
Comment: This missense variant replaces threonine with asparagine at codon 1847 of the RYR1 protein. Computational prediction suggests that this variant may not impact protein structure and function. To our knowledge, functional studies have not been reported for this variant. This variant has not been reported in individuals affected with RYR1-related disorders in the literature. This variant has been identified in 1/238776 chromosomes in the general population by the Genome Aggregation Database (gnomAD). The available evidence is insufficient to determine the role of this variant in disease conclusively. Therefore, this variant is classified as a Variant of Uncertain Significance.

Labcorp Genetics (formerly Invitae), Labcorp
Classification: Uncertain significance for RYR1-related disorder. Last evaluated: 2025-04-15. Review status: criteria provided, single submitter. Criteria: Invitae Variant Classification Sherloc (09022015). Collection method: clinical testing. Allele origin: germline.
Comment: This sequence change replaces threonine, which is neutral and polar, with asparagine, which is neutral and polar, at codon 1847 of the RYR1 protein (p.Thr1847Asn). This variant is present in population databases (no rsID available, gnomAD 0.003%). This variant has not been reported in the literature in individuals affected with RYR1-related conditions. ClinVar contains an entry for this variant (Variation ID: 1303814). Invitae Evidence Modeling of protein sequence and biophysical properties (such as structural, functional, and spatial information, amino acid conservation, physicochemical variation, residue mobility, and thermodynamic stability) indicates that this missense variant is not expected to disrupt RYR1 protein function with a negative predictive value of 80%. In summary, the available evidence is currently insufficient to determine the role of this variant in disease. Therefore, it has been classified as a Variant of Uncertain Significance.

All of Us Research Program, National Institutes of Health
Classification: Uncertain significance for Malignant hyperthermia, susceptibility to, 1. Last evaluated: 2023-08-15. Review status: criteria provided, single submitter. Criteria: ACMG Guidelines, 2015. Collection method: clinical testing. Allele origin: germline. Inheritance: Autosomal dominant inheritance. Observed: 1 variant allele, 1 heterozygote.
Comment: This study involves interpretation of variants in research participants for the purpose of population health screening. Participant phenotype was not available at the time of variant classification. Additional details can be found in publication PMID: 35346344, PMCID: PMC8962531

GeneDx
Classification: Uncertain significance. Last evaluated: 2019-08-07. Review status: criteria provided, single submitter. Criteria: GeneDx Variant Classification Process June 2021. Collection method: clinical testing. Allele origin: germline. Affected: yes.
Comment: Not observed at a significant frequency in large population cohorts (Lek et al., 2016); In silico analysis, which includes protein predictors and evolutionary conservation, supports a deleterious effect; Has not been previously published as pathogenic or benign to our knowledge